The following is an entry in ClinVar:

NM_173494.2(DNAAF6):c.573T>A (p.Tyr191Ter)

Gene: DNAAF6 (dynein axonemal assembly factor 6; plus strand). Cytogenetic location: Xq22.3.
Variant type: single nucleotide variant.
Coding change: c.573T>A on transcript NM_173494.2 (MANE Select); coding-DNA position 573, T replaced by A.
Protein change: p.Tyr191Ter; replaces tyrosine 191 with a stop codon.
Molecular consequence: nonsense.
Genome position (GRCh38, 1-based): chrX:107,243,226, T>A. VCF-style: chrX-107243226-T-A. GRCh37 (hg19) VCF-style: chrX-106486456-T-A.
Other names: c.573T>A, p.Tyr191Ter (NM_001169154.2); short protein forms Y191*.
Identifiers: ClinVar variation 3728293 (VCV003728293.2).
Genomic context (GRCh38, chrX:107,243,226, plus strand): 5'-TAGGAAGCTGTTGATAACTCTTCCTGAGCTGGTGGAATGTACCAGTGCCAAAGCATTCTA[T>A]ATCCCAGAGACTGAAACTCTTGAAATCACTATGACTATGAAAAGAGAGTTAGATATTGCT-3'

ClinVar aggregate classification (germline): Likely pathogenic (1 of 4 stars; one submission).

Submission:

Labcorp Genetics (formerly Invitae), Labcorp
Classification: Likely pathogenic. Last evaluated: 2025-01-08. Review status: criteria provided, single submitter. Criteria: Invitae Variant Classification Sherloc (09022015). Collection method: clinical testing. Allele origin: germline.
Comment: This sequence change creates a premature translational stop signal (p.Tyr191*) in the PIH1D3 gene. While this is not anticipated to result in nonsense mediated decay, it is expected to disrupt the last 24 amino acid(s) of the PIH1D3 protein. This variant is not present in population databases (gnomAD no frequency). This premature translational stop signal has been observed in individual(s) with clinical features of primary ciliary dyskinesia (internal data). This variant disrupts the C-terminus of the PIH1D3 protein. Other variant(s) that disrupt this region (p.Thr197_Glu199del) have been observed in individuals with PIH1D3-related conditions (internal data). This suggests that this may be a clinically significant region of the protein. In summary, the currently available evidence indicates that the variant is pathogenic, but additional data are needed to prove that conclusively. Therefore, this variant has been classified as Likely Pathogenic.